The following is an entry in ClinVar:

ClinVar aggregate classification (germline): Uncertain significance (1 of 4 stars; one submission).

Conditions:
Progressive familial heart block type IB (PFHB1B). Identifiers: Orphanet 871, MedGen C1970298, MONDO:0011474, OMIM 604559.

Submission:

Labcorp Genetics (formerly Invitae), Labcorp
Classification: Uncertain significance for Progressive familial heart block type IB. Last evaluated: 2024-11-23. Review status: criteria provided, single submitter. Criteria: Invitae Variant Classification Sherloc (09022015). Collection method: clinical testing. Allele origin: germline.
Comment: This variant, c.16_18del, results in the deletion of 1 amino acid(s) of the TRPM4 protein (p.Lys6del), but otherwise preserves the integrity of the reading frame. This variant is not present in population databases (gnomAD no frequency). This variant has not been reported in the literature in individuals affected with TRPM4-related conditions. Experimental studies and prediction algorithms are not available or were not evaluated, and the functional significance of this variant is currently unknown. In summary, the available evidence is currently insufficient to determine the role of this variant in disease. Therefore, it has been classified as a Variant of Uncertain Significance.

NM_017636.4(TRPM4):c.16_18del (p.Lys6del)

Gene: TRPM4 (transient receptor potential cation channel subfamily M member 4; plus strand). Cytogenetic location: 19q13.33.
Variant type: Deletion.
Coding change: c.16_18del on transcript NM_017636.4 (MANE Select); coding-DNA positions 16 to 18, 3 bases deleted (AAG; older notation c.16_18delAAG).
Protein change: p.Lys6del; deletes lysine 6.
Molecular consequence: 5 prime UTR variant (on NM_001321282.2).
Genome position (GRCh38, 1-based): chr19:49,157,882-49,157,884, AAG deleted; deleting any 3 consecutive bases within chr19:49,157,880-49,157,884 gives the same sequence; the c. name uses the placement nearest the transcript's 3' end. VCF-style (leftmost placement, unchanged base first): chr19-49157879-GAGA-G. GRCh37 (hg19) VCF-style: chr19-49661136-GAGA-G.
Other names: c.16_18del, p.Lys6del (NM_001195227.2, NM_001321281.2); c.-1357_-1355del (NM_001321282.2); c.-151_-149del (NM_001321283.2); c.-314_-312del (NM_001321285.2); short protein forms K6del.
Identifiers: ClinVar variation 3703654 (VCV003703654.2).
Genomic context (GRCh38, chr19:49,157,879, plus strand): 5'-GGAGCGCCGGGGCCCTGGGCTGCAGGAGGTTGCGGCGGCCGCGGCAGCATGGTGGTGCCG[GAGA>G]AGGAGCAGGTGAGCGCCGGACCAGGGTCTGCGGGAGCGCGGAGCTGGGGACCTCGCCTCC-3'